The following is an entry in ClinVar:

ClinVar aggregate classification (germline): Uncertain significance (1 of 4 stars; one submission).

Conditions:
Spermatogenic failure 18. Identifiers: MedGen C4539783, MONDO:0054615, OMIM 617576.
Ciliary dyskinesia, primary, 37 (CILD37). Also called: CILIARY DYSKINESIA, PRIMARY, 37, WITH OR WITHOUT SITUS INVERSUS. Identifiers: MedGen C4539798, MONDO:0033204, OMIM 617577.

Submission:

Juno Genomics, Hangzhou Juno Genomics, Inc
Classification: Uncertain significance for Ciliary dyskinesia, primary, 37; Spermatogenic failure 18. Review status: criteria provided, single submitter. Criteria: ACMG Guidelines, 2015. Collection method: clinical testing. Allele origin: germline.
Comment: Absent from controls (or at extremely low frequency if recessive) in Genome Aggregation Database.;Multiple lines of computational evidence support a deleterious effect on the gene or gene product.

NM_015512.5(DNAH1):c.3343T>C (p.Ser1115Pro)

Gene: DNAH1 (dynein axonemal heavy chain 1; plus strand). Cytogenetic location: 3p21.1.
Variant type: single nucleotide variant.
Coding change: c.3343T>C on transcript NM_015512.5 (MANE Select); coding-DNA position 3343, T replaced by C.
Protein change: p.Ser1115Pro; replaces serine 1115 with proline.
Molecular consequence: missense variant.
Genome position (GRCh38, 1-based): chr3:52,353,496, T>C. VCF-style: chr3-52353496-T-C. GRCh37 (hg19) VCF-style: chr3-52387512-T-C.
Other names: short protein forms S1115P.
Identifiers: ClinVar variation 5006655 (VCV005006655.2).